The following is an entry in ClinVar:

NM_022114.4(PRDM16):c.217T>G (p.Tyr73Asp)

Gene: PRDM16 (PR/SET domain 16; plus strand). Cytogenetic location: 1p36.32.
Variant type: single nucleotide variant.
Coding change: c.217T>G on transcript NM_022114.4 (MANE Select); coding-DNA position 217, T replaced by G.
Protein change: p.Tyr73Asp; replaces tyrosine 73 with aspartic acid.
Molecular consequence: missense variant.
Genome position (GRCh38, 1-based): chr1:3,186,304, T>G. VCF-style: chr1-3186304-T-G. GRCh37 (hg19) VCF-style: chr1-3102868-T-G.
Other names: c.217T>G, p.Tyr73Asp (NM_199454.3); short protein forms Y73D.
Identifiers: ClinVar variation 1504669 (VCV001504669.6), dbSNP rs2100798027, ClinGen allele CA338215631.

ClinVar aggregate classification (germline): Uncertain significance (1 of 4 stars; one submission).

Conditions:
Left ventricular noncompaction 8 (LVNC8). Identifiers: Orphanet 154, Orphanet 54260, MedGen C3809288, MONDO:0014152, OMIM 615373.

Submission:

Labcorp Genetics (formerly Invitae), Labcorp
Classification: Uncertain significance for Left ventricular noncompaction 8. Last evaluated: 2021-10-20. Review status: criteria provided, single submitter. Criteria: Invitae Variant Classification Sherloc (09022015). Collection method: clinical testing. Allele origin: germline.
Comment: This variant has not been reported in the literature in individuals affected with PRDM16-related conditions. In summary, the available evidence is currently insufficient to determine the role of this variant in disease. Therefore, it has been classified as a Variant of Uncertain Significance. Algorithms developed to predict the effect of missense changes on protein structure and function are either unavailable or do not agree on the potential impact of this missense change (SIFT: "Deleterious"; PolyPhen-2: "Probably Damaging"; Align-GVGD: "Class C0"). This variant is not present in population databases (ExAC no frequency). This sequence change replaces tyrosine with aspartic acid at codon 73 of the PRDM16 protein (p.Tyr73Asp). The tyrosine residue is moderately conserved and there is a large physicochemical difference between tyrosine and aspartic acid.